The following is an entry in ClinVar:

NM_001127221.2(CACNA1A):c.5532C>A (p.Cys1844Ter)

Gene: CACNA1A (calcium voltage-gated channel subunit alpha1 A; minus strand). Cytogenetic location: 19p13.13.
Variant type: single nucleotide variant.
Coding change: c.5532C>A on transcript NM_001127221.2 (MANE Plus Clinical); coding-DNA position 5532, C replaced by A.
Protein change: p.Cys1844Ter; replaces cysteine 1844 with a stop codon.
Molecular consequence: nonsense. On other transcripts: intron variant (4).
Genome position (GRCh38, 1-based): chr19:13,228,795, G>T on the plus strand (C>A on the coding strand, the complement: CACNA1A is on the minus strand). VCF-style: chr19-13228795-G-T. GRCh37 (hg19) VCF-style: chr19-13339609-G-T.
Other names: c.5529-1268C>A (NM_001127222.2); c.5538-1268C>A (NM_001174080.2); c.5547-1268C>A (NM_000068.4, NM_023035.3); short protein forms C1844*.
Identifiers: ClinVar variation 954141 (VCV000954141.11), dbSNP rs765557914, ClinGen allele CA404331965.

ClinVar aggregate classification (germline): Pathogenic. Review status: criteria provided, multiple submitters, no conflicts (2 of 4 stars). 2 submissions from 2 submitters: Pathogenic (2). Last evaluated 2024-04-16.

Conditions:
Developmental and epileptic encephalopathy, 42 (DEE42A). Also called: DEVELOPMENTAL AND EPILEPTIC ENCEPHALOPATHY 42A; EPILEPTIC ENCEPHALOPATHY, EARLY INFANTILE, 42A; Epileptic encephalopathy, early infantile, 42. Identifiers: MedGen C4310716, MONDO:0014917, OMIM 617106.
Episodic ataxia type 2 (EA2). Also called: ATAXIA, EPISODIC, WITH NYSTAGMUS; ATAXIA, FAMILIAL PAROXYSMAL; CEREBELLAR ATAXIA, PAROXYSMAL, ACETAZOLAMIDE-RESPONSIVE; ACETAZOLAMIDE-RESPONSIVE HEREDITARY PAROXYSMAL CEREBELLAR ATAXIA; CEREBELLOPATHY, HEREDITARY PAROXYSMAL; EPISODIC ATAXIA, NYSTAGMUS-ASSOCIATED. Identifiers: Orphanet 97, MedGen C1720416, MONDO:0007163, OMIM 108500.

Submissions (2):

Labcorp Genetics (formerly Invitae), Labcorp
Classification: Pathogenic for Developmental and epileptic encephalopathy, 42; Episodic ataxia type 2. Last evaluated: 2024-04-16. Review status: criteria provided, single submitter. Criteria: Invitae Variant Classification Sherloc (09022015). Collection method: clinical testing. Allele origin: germline.
Comment: This sequence change creates a premature translational stop signal (p.Cys1844*) in the CACNA1A gene. It is expected to result in an absent or disrupted protein product. Loss-of-function variants in CACNA1A are known to be pathogenic (PMID: 10371528, 19486177, 25735478, 27250579). This variant is not present in population databases (gnomAD no frequency). This variant has not been reported in the literature in individuals affected with CACNA1A-related conditions. ClinVar contains an entry for this variant (Variation ID: 954141). For these reasons, this variant has been classified as Pathogenic.

Genetic Services Laboratory, University of Chicago
Classification: Pathogenic. Last evaluated: 2020-01-28. Review status: criteria provided, single submitter. Criteria: ACMG Guidelines, 2015. Collection method: clinical testing. Allele origin: germline. Affected: yes.

Literature cited by the submitters: PubMed 10371528 (cited by Labcorp Genetics (formerly Invitae), Labcorp); PubMed 19486177 (cited by Labcorp Genetics (formerly Invitae), Labcorp); PubMed 25735478 (cited by Labcorp Genetics (formerly Invitae), Labcorp); PubMed 27250579 (cited by Labcorp Genetics (formerly Invitae), Labcorp).